The following is an entry in ClinVar:

ClinVar aggregate classification (germline): Likely pathogenic. Review status: criteria provided, single submitter (1 of 4 stars). 2 submissions from 2 submitters: Likely pathogenic (1). 1 of the submissions does not count toward it. Last evaluated 2020-06-09.

Conditions:
Cerebellar ataxia, impaired intellectual development, and dysequilibrium syndrome 4. Also called: CEREBELLAR ATAXIA AND MENTAL RETARDATION WITH OR WITHOUT QUADRUPEDAL LOCOMOTION 4; Cerebellar ataxia, mental retardation, and dysequilibrium syndrome 4; Cerebellar ataxia, intellectual disability, and dysequilibrium syndrome 4. Identifiers: Orphanet 1766, MedGen C3808977, MONDO:0014104, OMIM 615268.

Allele frequency attached by ClinVar (database versions not stated): gnomAD exomes below 0.00001.
gnomAD v4.1: 3 of 1,611,198 alleles (0.00019%); highest among the groups gnomAD compares: Non-Finnish European, 0.00017%; no homozygotes.

Submissions (2):

Baylor Genetics
Classification: Likely pathogenic for Cerebellar ataxia, impaired intellectual development, and dysequilibrium syndrome 4. Last evaluated: 2020-06-09. Review status: criteria provided, single submitter. Criteria: ACMG Guidelines, 2015. Collection method: clinical testing. Allele origin: unknown. Affected: yes.
Comment: This variant was determined to be likely pathogenic according to ACMG Guidelines, 2015 [PMID:25741868].

OMIM
Classification: Pathogenic for CEREBELLAR ATAXIA, IMPAIRED INTELLECTUAL DEVELOPMENT, AND DYSEQUILIBRIUM SYNDROME 4. Last evaluated: 2023-11-13. Review status: no assertion criteria provided. Collection method: literature only. Allele origin: germline. Not counted in ClinVar's aggregate classification.

Literature cited by the submitters: PubMed 35321980 (cited by OMIM).

NM_016529.6(ATP8A2):c.2158C>T (p.Arg720Ter)

Gene: ATP8A2 (ATPase phospholipid transporting 8A2). Cytogenetic location: 13q12.13.
Variant type: single nucleotide variant.
Coding change: c.2158C>T on transcript NM_016529.6 (MANE Select); coding-DNA position 2158, C replaced by T.
Protein change: p.Arg720Ter; replaces arginine 720 with a stop codon.
Molecular consequence: nonsense.
Genome position (GRCh38, 1-based): chr13:25,589,646, C>T. VCF-style: chr13-25589646-C-T. GRCh37 (hg19) VCF-style: chr13-26163784-C-T.
Other names: c.2038C>T, p.Arg680Ter (NM_001313741.1); short protein forms R720*, R680*.
Identifiers: ClinVar variation 1029608 (VCV001029608.2), dbSNP rs1566306570, ClinGen allele CA387615770.